The following is an entry in ClinVar:

ClinVar aggregate classification (germline): Uncertain significance (1 of 4 stars; one submission).

Submission:

GeneDx
Classification: Uncertain significance. Last evaluated: 2024-08-15. Review status: criteria provided, single submitter. Criteria: GeneDx Variant Classification Process June 2021. Collection method: clinical testing. Allele origin: germline. Affected: yes.
Comment: Published functional studies demonstrate a damaging effect, specifically, impairment of membrane translocation of FGD1 and directed cell migration (PMID: 21212517); Not observed at significant frequency in large population cohorts (gnomAD); In silico analysis indicates that this missense variant does not alter protein structure/function; This variant is associated with the following publications: (PMID: 20045932, 21739585, 20082460, 21212517, 14560308, 35290799)

NM_004463.3(FGD1):c.614G>T (p.Ser205Ile)

Gene: FGD1 (FYVE, RhoGEF and PH domain containing 1; minus strand). Cytogenetic location: Xp11.22.
Variant type: single nucleotide variant.
Coding change: c.614G>T on transcript NM_004463.3 (MANE Select); coding-DNA position 614, G replaced by T.
Protein change: p.Ser205Ile; replaces serine 205 with isoleucine.
Molecular consequence: missense variant.
Genome position (GRCh38, 1-based): chrX:54,470,628, C>A on the plus strand (G>T on the coding strand, the complement: FGD1 is on the minus strand). VCF-style: chrX-54470628-C-A. GRCh37 (hg19) VCF-style: chrX-54497061-C-A.
Other names: short protein forms S205I.
Identifiers: ClinVar variation 3731175 (VCV003731175.1).